The following is an entry in ClinVar:

NM_001393769.1(MED12L):c.5027G>T (p.Gly1676Val)

Gene: MED12L (mediator complex subunit 12L; plus strand). Cytogenetic location: 3q25.1.
Variant type: single nucleotide variant.
Coding change: c.5027G>T on transcript NM_001393769.1 (MANE Select); coding-DNA position 5027, G replaced by T.
Protein change: p.Gly1676Val; replaces glycine 1676 with valine.
Molecular consequence: missense variant.
Genome position (GRCh38, 1-based): chr3:151,385,130, G>T. VCF-style: chr3-151385130-G-T. GRCh37 (hg19) VCF-style: chr3-151102918-G-T.
Other names: c.4922G>T, p.Gly1641Val (NM_053002.6); short protein forms G1641V, G1676V.
Identifiers: ClinVar variation 4875231 (VCV004875231.2).
Genomic context (GRCh38, chr3:151,385,130, plus strand): 5'-TTCGACAGTTACTACCTTTGCCGAAACAGACATGTGATGTCATCACTTGTGAACCTATGG[G>T]TTCCTTGATTGACACAAAAGGAAACAAAATTGCTGGATTTGACTCTATAGATAAAAAACA-3'
Protein context (NP_001380698.1, residues 1666-1686): TCDVITCEPM[Gly1676Val]SLIDTKGNKI

ClinVar aggregate classification (germline): Uncertain significance (1 of 4 stars; one submission).

Submission:

CeGaT Center for Human Genetics Tuebingen
Classification: Uncertain significance. Last evaluated: 2026-05-01. Review status: criteria provided, single submitter. Criteria: CeGaT Center For Human Genetics Tuebingen Variant Classification Criteria Version 2. Collection method: clinical testing. Allele origin: germline. Affected: yes. Observed: 1 variant allele.
Comment: MED12L: PM2, PP2, PS2:Supporting